The following is an entry in ClinVar:

NM_005732.4(RAD50):c.3655G>T (p.Glu1219Ter)

Genes: TH2-LCR (Th2 cytokine locus control region; plus strand), TH2LCRR (T helper type 2 locus control region associated RNA; minus strand), RAD50 (RAD50 double strand break repair protein; plus strand). Cytogenetic location: 5q31.1.
Variant type: single nucleotide variant.
Coding change: c.3655G>T on transcript NM_005732.4 (MANE Select); coding-DNA position 3655, G replaced by T.
Protein change: p.Glu1219Ter; replaces glutamic acid 1219 with a stop codon.
Molecular consequence: nonsense.
Genome position (GRCh38, 1-based): chr5:132,640,708, G>T. VCF-style: chr5-132640708-G-T. GRCh37 (hg19) VCF-style: chr5-131976400-G-T.
Other names: short protein forms E1219*.
Identifiers: ClinVar variation 961102 (VCV000961102.9), dbSNP rs587781569, ClinGen allele CA127237195.

ClinVar aggregate classification (germline): Pathogenic. Review status: criteria provided, multiple submitters, no conflicts (2 of 4 stars). 2 submissions from 2 submitters: Pathogenic (2). Last evaluated 2025-03-17.

Conditions:
Hereditary cancer-predisposing syndrome. Also called: Tumor predisposition; Hereditary neoplastic syndrome; Neoplastic Syndromes, Hereditary; Hereditary Cancer Syndrome. Identifiers: Orphanet 140162, MedGen C0027672, MeSH D009386, MONDO:0015356.
Nijmegen breakage syndrome-like disorder (NBSLD). Also called: MICROCEPHALY AND SPONTANEOUS CHROMOSOME INSTABILITY WITHOUT IMMUNODEFICIENCY; NBS-LIKE DISORDER; RAD50 DEFICIENCY. Identifiers: Orphanet 240760, MedGen C2751318, MONDO:0013118, OMIM 613078.

Allele frequency attached by ClinVar (database versions not stated): gnomAD 0.00001; TOPMed 0.00001.
gnomAD v4.1: 2 of 1,614,048 alleles (0.00012%); highest among the groups gnomAD compares: African/African-American, 0.0027%; no homozygotes.

Submissions (2):

Labcorp Genetics (formerly Invitae), Labcorp
Classification: Pathogenic for Hereditary cancer-predisposing syndrome. Last evaluated: 2025-03-17. Review status: criteria provided, single submitter. Criteria: Invitae Variant Classification Sherloc (09022015). Collection method: clinical testing. Allele origin: germline.
Comment: This sequence change creates a premature translational stop signal (p.Glu1219*) in the RAD50 gene. It is expected to result in an absent or disrupted protein product. Loss-of-function variants in RAD50 are known to be pathogenic (PMID: 19409520). This variant is present in population databases (no rsID available, gnomAD 0.01%). This premature translational stop signal has been observed in individual(s) with pancreatic cancer (PMID: 29506128). ClinVar contains an entry for this variant (Variation ID: 961102). For these reasons, this variant has been classified as Pathogenic.

Baylor Genetics
Classification: Pathogenic for Nijmegen breakage syndrome-like disorder. Last evaluated: 2022-11-26. Review status: criteria provided, single submitter. Criteria: ACMG Guidelines, 2015. Collection method: clinical testing. Allele origin: unknown.

Literature cited by the submitters: PubMed 19409520 (cited by Labcorp Genetics (formerly Invitae), Labcorp); PubMed 29506128 (cited by Labcorp Genetics (formerly Invitae), Labcorp).